The following is an entry in ClinVar:

ClinVar aggregate classification (germline): Likely benign. Review status: criteria provided, multiple submitters, no conflicts (2 of 4 stars). 3 submissions from 3 submitters: Likely benign (2). 1 of the submissions does not count toward it. Last evaluated 2025-05-14.

Conditions:
SEC23B-related disorder. Also called: SEC23B-related disorders; SEC23B-related condition.
Congenital dyserythropoietic anemia, type II (CDAN2). Also called: DYSERYTHROPOIETIC ANEMIA, HEMPAS TYPE. Identifiers: Orphanet 98873, MedGen C1306589, MONDO:0009134, OMIM 224100.
Cowden syndrome 7 (CWS7). Identifiers: Orphanet 201, MedGen C4225179, MONDO:0014802, OMIM 616858.

Allele frequency attached by ClinVar (database versions not stated): gnomAD exomes 0.00001; ExAC 0.00002; gnomAD 0.00005 and 0.00007; TOPMed 0.00006.
gnomAD v4.1: 38 of 1,614,062 alleles (0.0024%); highest among the groups gnomAD compares: African/African-American, 0.037%; no homozygotes.

Submissions (3):

ARUP Laboratories, Molecular Genetics and Genomics, ARUP Laboratories
Classification: Likely benign. Last evaluated: 2025-05-14. Review status: criteria provided, single submitter. Criteria: ARUP Molecular Germline Variant Investigation Process 2024. Collection method: clinical testing. Allele origin: germline.

Labcorp Genetics (formerly Invitae), Labcorp
Classification: Likely benign for Congenital dyserythropoietic anemia, type II; Cowden syndrome 7. Last evaluated: 2024-10-24. Review status: criteria provided, single submitter. Criteria: Invitae Variant Classification Sherloc (09022015). Collection method: clinical testing. Allele origin: germline.

PreventionGenetics, part of Exact Sciences
Classification: Likely benign for SEC23B-related condition. Last evaluated: 2019-12-12. Review status: no assertion criteria provided. Collection method: clinical testing. Allele origin: germline. Not counted in ClinVar's aggregate classification.
Comment: This variant is classified as likely benign based on ACMG/AMP sequence variant interpretation guidelines (Richards et al. 2015 PMID: 25741868, with internal and published modifications).

NM_006363.6(SEC23B):c.1884C>T (p.Tyr628=)

Gene: SEC23B (SEC23 homolog B, COPII component; plus strand). Cytogenetic location: 20p11.23.
Variant type: single nucleotide variant.
Coding change: c.1884C>T on transcript NM_006363.6 (MANE Select); coding-DNA position 1884, C replaced by T.
Protein change: p.Tyr628=; no amino-acid change (tyrosine 628 retained).
Molecular consequence: synonymous variant.
Genome position (GRCh38, 1-based): chr20:18,548,749, C>T. VCF-style: chr20-18548749-C-T. GRCh37 (hg19) VCF-style: chr20-18529393-C-T.
Other names: c.1884C>T, p.Tyr628= (NM_001172745.3, NM_032985.6, NM_032986.5); c.1830C>T, p.Tyr610= (NM_001172746.3); c.1884C>T (NM_006363.4).
Identifiers: ClinVar variation 1141604 (VCV001141604.10), dbSNP rs766473215, ClinGen allele CA9778518.